The following is an entry in ClinVar:

ClinVar aggregate classification (germline): Likely benign. Review status: criteria provided, multiple submitters, no conflicts (2 of 4 stars). 2 submissions from 2 submitters: Likely benign (2). Last evaluated 2026-03-31.

Conditions:
Neuromuscular disease. Also called: Neuromuscular disorder; Neuromyopathy. Identifiers: Orphanet 68381, MedGen C0027868, MeSH D009468, MONDO:0019056.

Allele frequency attached by ClinVar (database versions not stated): 1000 Genomes Project 30x 0.00172; 1000 Genomes Project 0.00180; ESP Exome Variant Server 0.00670.

Submissions (2):

Center for Human Genetics and Genomic Medicine, Uniklinik Rwth Aachen
Classification: Likely benign for Neuromuscular disease. Last evaluated: 2026-03-31. Review status: criteria provided, single submitter. Criteria: ACMG Guidelines, 2015. Collection method: clinical testing. Allele origin: germline. Affected: yes.

CeGaT Center for Human Genetics Tuebingen
Classification: Likely benign. Last evaluated: 2024-04-01. Review status: criteria provided, single submitter. Criteria: CeGaT Center For Human Genetics Tuebingen Variant Classification Criteria Version 2. Collection method: clinical testing. Allele origin: germline. Affected: yes. Observed: 1 variant allele.
Comment: CFAP74: BP4, BS2

NM_001304360.2(CFAP74):c.1094G>A (p.Arg365Gln)

Gene: CFAP74 (cilia and flagella associated protein 74; minus strand). Cytogenetic location: 1p36.33.
Variant type: single nucleotide variant.
Coding change: c.1094G>A on transcript NM_001304360.2 (MANE Select); coding-DNA position 1094, G replaced by A.
Protein change: p.Arg365Gln; replaces arginine 365 with glutamine.
Molecular consequence: missense variant.
Genome position (GRCh38, 1-based): chr1:1,968,786, C>T on the plus strand (G>A on the coding strand, the complement: CFAP74 is on the minus strand). VCF-style: chr1-1968786-C-T. GRCh37 (hg19) VCF-style: chr1-1900225-C-T.
Other names: short protein forms R365Q.
Identifiers: ClinVar variation 3234139 (VCV003234139.21), dbSNP rs72636304, ClinGen allele CA533903.
Genomic context (GRCh38, chr1:1,968,786, plus strand): 5'-GCACTGGTGGGGGGATGCTGTTTCTTCCTCTTTTCCTCCTCAGCCTCCTCTTTCAGAATC[C>T]GACTGATGATCTCCTGCTTTCTGAGCTTCTGCTCCTCCTCAAAGGCCCTGCGTGGAGTCG-3'
Protein context (NP_001291289.1, residues 355-375): QKLRKQEIIS[Arg365Gln]ILKEEAEEEK